The following is an entry in ClinVar:

NM_001370259.2(MEN1):c.1614dup (p.Ala539fs)

Gene: MEN1 (menin 1; minus strand). Cytogenetic location: 11q13.1.
Variant type: Duplication.
Coding change: c.1614dup on transcript NM_001370259.2 (MANE Select); coding-DNA position 1614, one base duplicated (A; older notation c.1614dupA).
Protein change: p.Ala539fs; shifts the reading frame from alanine 539.
Molecular consequence: frameshift variant.
Genome position (GRCh38, 1-based): chr11:64,804,553, T duplicated on the plus strand (A on the coding strand, the reverse complement: MEN1 is on the minus strand). VCF-style (leftmost placement, unchanged base first): chr11-64804552-C-CT. GRCh37 (hg19) VCF-style: chr11-64572024-C-CT.
Other names: c.1629dup, p.Ala544fs (NM_000244.4, NM_130800.3, NM_130801.3 and 3 more transcripts); c.1740dup, p.Ala581fs (NM_001370251.2); c.1614dup, p.Ala539fs (NM_001370260.2, NM_001370261.2, NM_130799.3); c.1509dup, p.Ala504fs (NM_001370262.2, NM_001370263.2); c.1740dup, p.Ala581Serfs (NM_001407142.1, NM_001407143.1, NM_001407144.1); c.1629dup, p.Ala544Serfs (NM_001407145.1); c.1614dup, p.Ala539Serfs (NM_001407146.1, NM_001407147.1); c.1509dup, p.Ala504Serfs (NM_001407148.1, NM_001407149.1); and 4 more; short protein forms A504fs, A539fs, A544fs, A581fs.
Identifiers: ClinVar variation 1776456 (VCV001776456.5), dbSNP rs2497111070, ClinGen allele CA2580084414.
Genomic context (GRCh38, chr11:64,804,552, plus strand): 5'-TCATCTTCTCACTCTGGAAAGTGAGCACTGGACCCTCCGGCGGTGGTGATGCTGTGGGTG[C>CT]TGGCACCTGAGCCGTGCTGCCACCTTCAGGGCCTCGGGCTGTGCCAGCGACAGTCCCAGG-3'

ClinVar aggregate classification (germline): Pathogenic/Likely pathogenic. Review status: criteria provided, multiple submitters, no conflicts (2 of 4 stars). 2 submissions from 2 submitters: Pathogenic (1); Likely pathogenic (1). Last evaluated 2022-09-02.

Conditions:
Hereditary cancer-predisposing syndrome. Also called: Neoplastic Syndromes, Hereditary; Tumor predisposition; Hereditary Cancer Syndrome; Hereditary neoplastic syndrome. Identifiers: Orphanet 140162, MedGen C0027672, MeSH D009386, MONDO:0015356.

Submissions (2):

Ambry Genetics
Classification: Pathogenic for Hereditary cancer-predisposing syndrome. Last evaluated: 2022-09-02. Review status: criteria provided, single submitter. Criteria: Ambry Variant Classification Scheme 2023. Collection method: clinical testing. Allele origin: germline.
Comment: The c.1614dupA variant, located in coding exon 9 of the MEN1 gene, results from a duplication of A at nucleotide position 1614, causing a translational frameshift with a predicted alternate stop codon (p.A539Sfs*18). This alteration occurs at the 3' terminus of theMEN1 gene, is not expected to trigger nonsense-mediated mRNA decay, and only impacts the last 72 amino acids of the protein. However, premature stop codons are typically deleterious in nature and the impacted region is critical for protein function (Ambry internal data). This variant is considered to be rare based on population cohorts in the Genome Aggregation Database (gnomAD). Based on the supporting evidence, this alteration is interpreted as a disease-causing mutation.

ARUP Laboratories, Molecular Genetics and Genomics, ARUP Laboratories
Classification: Likely pathogenic. Last evaluated: 2022-08-11. Review status: criteria provided, single submitter. Criteria: ARUP Molecular Germline Variant Investigation Process 2021. Collection method: clinical testing. Allele origin: germline.
Comment: The MEN1 c.1614dup, p.Ala539SerfsTer18 variant, to our knowledge, is not reported in the medical literature or gene specific databases. This variant is absent from the Genome Aggregation Database, indicating it is not a common polymorphism. This variant results in a premature termination codon in the last exon of the MEN1 gene. While this may not lead to nonsense-mediated decay, it is expected to create a truncated protein that would include a sequence of 18 amino acid residues not usually present. Based on available information, this variant is considered to be likely pathogenic.